The following is an entry in ClinVar:

NM_001909.5(CTSD):c.716C>T (p.Ala239Val)

Gene: CTSD (cathepsin D; minus strand). Cytogenetic location: 11p15.5.
Variant type: single nucleotide variant.
Coding change: c.716C>T on transcript NM_001909.5 (MANE Select); coding-DNA position 716, C replaced by T.
Protein change: p.Ala239Val; replaces alanine 239 with valine.
Molecular consequence: missense variant.
Genome position (GRCh38, 1-based): chr11:1,755,017, G>A on the plus strand (C>T on the coding strand, the complement: CTSD is on the minus strand). VCF-style: chr11-1755017-G-A. GRCh37 (hg19) VCF-style: chr11-1776247-G-A.
Other names: short protein forms A239V.
Identifiers: ClinVar variation 846960 (VCV000846960.9), dbSNP rs759564989, ClinGen allele CA5814076.

ClinVar aggregate classification (germline): Uncertain significance. Review status: criteria provided, multiple submitters, no conflicts (2 of 4 stars). 3 submissions from 3 submitters: Uncertain significance (3). Last evaluated 2024-07-23.

Conditions:
Neuronal ceroid lipofuscinosis 10 (CLN10). Also called: NEURONAL CEROID LIPOFUSCINOSIS DUE TO CATHEPSIN D DEFICIENCY; CTSD-Related Neuronal Ceroid-Lipofuscinosis. Identifiers: Orphanet 228337, MedGen C1864669, MONDO:0012414, OMIM 610127.
Neuronal ceroid lipofuscinosis. Also called: Neuronal Ceroid Lipofuscinoses. Identifiers: Orphanet 216, Orphanet 79263, MedGen C0027877, MONDO:0016295. Disease mechanism: loss of function.

Allele frequency attached by ClinVar (database versions not stated): gnomAD 0.00001; TOPMed 0.00001; ExAC 0.00002; gnomAD exomes 0.00002.
gnomAD v4.1: 33 of 1,613,716 alleles (0.002%); highest among the groups gnomAD compares: East Asian, 0.0045%; no homozygotes.

Submissions (3):

Blueprint Genetics
Classification: Uncertain significance. Last evaluated: 2024-07-23. Review status: criteria provided, single submitter. Criteria: ACMG Guidelines, 2015. Collection method: clinical testing. Allele origin: germline.

Fulgent Genetics
Classification: Uncertain significance for Neuronal ceroid lipofuscinosis 10. Last evaluated: 2021-12-27. Review status: criteria provided, single submitter. Criteria: ACMG Guidelines, 2015. Collection method: clinical testing. Allele origin: unknown.

Labcorp Genetics (formerly Invitae), Labcorp
Classification: Uncertain significance for Neuronal ceroid lipofuscinosis. Last evaluated: 2021-09-01. Review status: criteria provided, single submitter. Criteria: Invitae Variant Classification Sherloc (09022015). Collection method: clinical testing. Allele origin: germline.
Comment: This sequence change replaces alanine with valine at codon 239 of the CTSD protein (p.Ala239Val). The alanine residue is moderately conserved and there is a small physicochemical difference between alanine and valine. This variant is present in population databases (rs759564989, ExAC 0.02%). This variant has not been reported in the literature in individuals affected with CTSD-related conditions. ClinVar contains an entry for this variant (Variation ID: 846960). Algorithms developed to predict the effect of missense changes on protein structure and function are either unavailable or do not agree on the potential impact of this missense change (SIFT: "Deleterious"; PolyPhen-2: "Benign"; Align-GVGD: "Class C0"). In summary, the available evidence is currently insufficient to determine the role of this variant in disease. Therefore, it has been classified as a Variant of Uncertain Significance.